The following is an entry in ClinVar:

NM_001195263.2(PDZD7):c.419G>A (p.Ser140Asn)

Gene: PDZD7 (PDZ domain containing 7; minus strand). Cytogenetic location: 10q24.31.
Variant type: single nucleotide variant.
Coding change: c.419G>A on transcript NM_001195263.2 (MANE Select); coding-DNA position 419, G replaced by A.
Protein change: p.Ser140Asn; replaces serine 140 with asparagine.
Molecular consequence: missense variant.
Genome position (GRCh38, 1-based): chr10:101,023,559, C>T on the plus strand (G>A on the coding strand, the complement: PDZD7 is on the minus strand). VCF-style: chr10-101023559-C-T. GRCh37 (hg19) VCF-style: chr10-102783316-C-T.
Other names: c.419G>A, p.Ser140Asn (NM_001351044.2, NM_024895.5); short protein forms S140N.
Identifiers: ClinVar variation 667312 (VCV000667312.7), dbSNP rs1590069215, ClinGen allele CA378230721.

ClinVar aggregate classification (germline): Uncertain significance. Review status: criteria provided, multiple submitters, no conflicts (2 of 4 stars). 3 submissions from 3 submitters: Uncertain significance (3). Last evaluated 2025-12-02.

Conditions:
Inborn genetic diseases. Identifiers: MedGen C0950123, MeSH D030342.

Submissions (3):

Ambry Genetics
Classification: Uncertain significance for Inborn genetic diseases. Last evaluated: 2025-12-02. Review status: criteria provided, single submitter. Criteria: Ambry Variant Classification Scheme 2023. Collection method: clinical testing. Allele origin: germline.

GeneDx
Classification: Uncertain significance. Last evaluated: 2023-03-02. Review status: criteria provided, single submitter. Criteria: GeneDx Variant Classification Process June 2021. Collection method: clinical testing. Allele origin: germline. Affected: yes.
Comment: Not observed at significant frequency in large population cohorts (gnomAD); In silico analysis, which includes protein predictors and evolutionary conservation, supports a deleterious effect; Has not been previously published as pathogenic or benign to our knowledge

Laboratory for Molecular Medicine, Mass General Brigham Personalized Medicine
Classification: Uncertain significance. Last evaluated: 2018-09-13. Review status: criteria provided, single submitter. Criteria: LMM Criteria. Collection method: clinical testing. Allele origin: germline. Observed: 1 variant allele.
Comment: The p.Ser140Asn variant in PDZD7 has not been previously reported in individuals with hearing loss and was absent from large population studies. Computational p rediction tools and conservation analysis suggest that this variant may impact t he protein, though this information is not predictive enough to determine pathog enicity. In summary, the clinical significance of this variant is uncertain. ACM G/AMP Criteria applied: PM2, PP3.